The following is an entry in ClinVar:

NC_000007.13:g.(121733213_121738503)_(121784304_?)del

Gene: AASS (aminoadipate-semialdehyde synthase; minus strand). Cytogenetic location: 7q31.32.
Variant type: Deletion.
Identifiers: ClinVar variation 2682543 (VCV002682543.1).

ClinVar aggregate classification (germline): Pathogenic (1 of 4 stars; one submission).

Conditions:
Hyperlysinemia. Also called: Hyperlysinemias. Identifiers: Orphanet 2203, MedGen C0268553, MONDO:0009388, HP:0002161.

Submission:

Women's Health and Genetics/Laboratory Corporation of America, LabCorp
Classification: Pathogenic for Hyperlysinemia. Last evaluated: 2023-11-15. Review status: criteria provided, single submitter. Criteria: LabCorp Variant Classification Summary - May 2015. Collection method: clinical testing. Allele origin: germline.
Comment: Variant summary: The variant involves the deletion of exons 1-15 in the AASS gene. A presumed nomenclature of c.(?_-105)_(1655+1_1656-1)del has been designated for the purposes of this classification. The exact breakpoint at the 5' end of this variant is unknown, therefore this deletion may extend upstream of the annotated region of this gene. Although the exact breakpoints of this deletion are not known, it is predicted to remove the initiation codon and result in an absence of protein or a truncation of the encoded protein due to translation initiation at a downstream site. An alternative downstream in-frame start codon (Met573) is located in exon 16 of the encoded protein. An activation of this potential downstream translation initiation site would result in a shortened protein missing the first 572 amino acids from the protein sequence, resulting in a large deletion in the AASS gene, a known mechanism of disease. Multiple variants (including missense, nonsense, and frameshift) located upstream of this alternate initiation codon have been reported as pathogenic/disease-associated in ClinVar, HGMD and LOVD. The variant was absent in 21694 control chromosomes (gnomAD Structural Variants dataset). To our knowledge, no occurrence of c.(?_-105)_(1655+1_1656-1)del in individuals affected with Hyperlysinemia and no experimental evidence demonstrating its impact on protein function have been reported. The following publication was ascertained in the context of this evaluation (PMID: 36983702). One submitter has reported clinical-significance assessments for this variant to ClinVar after 2014 and has classified the variant as benign, however without evidence for independent evaluation. Based on the evidence outlined above, the variant was classified as pathogenic.

Literature cited by the submitters: PubMed 36983702.